The following is an entry in ClinVar:

NM_000512.5(GALNS):c.1238G>A (p.Arg413Lys)

Gene: GALNS (galactosamine (N-acetyl)-6-sulfatase; minus strand). Cytogenetic location: 16q24.3.
Variant type: single nucleotide variant.
Coding change: c.1238G>A on transcript NM_000512.5 (MANE Select); coding-DNA position 1238, G replaced by A.
Protein change: p.Arg413Lys; replaces arginine 413 with lysine.
Molecular consequence: missense variant.
Genome position (GRCh38, 1-based): chr16:88,824,771, C>T on the plus strand (G>A on the coding strand, the complement: GALNS is on the minus strand). VCF-style: chr16-88824771-C-T. GRCh37 (hg19) VCF-style: chr16-88891179-C-T.
Other names: c.1238G>A (NM_000512.4); c.683G>A, p.Arg228Lys (NM_001323543.2); c.1256G>A, p.Arg419Lys (NM_001323544.2); short protein forms R228K, R413K, R419K.
Identifiers: ClinVar variation 1445279 (VCV001445279.6), dbSNP rs374798170, ClinGen allele CA8234773.

ClinVar aggregate classification (germline): Uncertain significance. Review status: criteria provided, multiple submitters, no conflicts (2 of 4 stars). 2 submissions from 2 submitters: Uncertain significance (2). Last evaluated 2023-06-12.

Conditions:
Inborn genetic diseases. Identifiers: MedGen C0950123, MeSH D030342.
Mucopolysaccharidosis, MPS-IV-A (MPS4A). Also called: MPS IVA; GALACTOSAMINE-6-SULFATASE DEFICIENCY; GALNS DEFICIENCY; MORQUIO A DISEASE; Morquio syndrome A, mild; MORQUIO SYNDROME A. Identifiers: Orphanet 309297, Orphanet 582, MedGen C0086651, MONDO:0009659, OMIM 253000.

Allele frequency attached by ClinVar (database versions not stated): gnomAD exomes 0.00002 and 0.00003; gnomAD 0.00003 and 0.00005; TOPMed 0.00003; ExAC 0.00004.
gnomAD v4.1: 47 of 1,613,066 alleles (0.0029%); highest among the groups gnomAD compares: South Asian, 0.035%; no homozygotes.

Submissions (2):

Ambry Genetics
Classification: Uncertain significance for Inborn genetic diseases. Last evaluated: 2023-06-12. Review status: criteria provided, single submitter. Criteria: Ambry Variant Classification Scheme 2023. Collection method: clinical testing. Allele origin: germline.

Labcorp Genetics (formerly Invitae), Labcorp
Classification: Uncertain significance for Mucopolysaccharidosis, MPS-IV-A. Last evaluated: 2021-08-14. Review status: criteria provided, single submitter. Criteria: Invitae Variant Classification Sherloc (09022015). Collection method: clinical testing. Allele origin: germline.
Comment: This sequence change replaces arginine with lysine at codon 413 of the GALNS protein (p.Arg413Lys). The arginine residue is weakly conserved and there is a small physicochemical difference between arginine and lysine. This variant is present in population databases (rs374798170, ExAC 0.03%). This variant has not been reported in the literature in individuals affected with GALNS-related conditions. Advanced modeling of protein sequence and biophysical properties (such as structural, functional, and spatial information, amino acid conservation, physicochemical variation, residue mobility, and thermodynamic stability) performed at Invitae indicates that this missense variant is not expected to disrupt GALNS protein function. In summary, the available evidence is currently insufficient to determine the role of this variant in disease. Therefore, it has been classified as a Variant of Uncertain Significance.